The following is an entry in ClinVar:

ClinVar aggregate classification (germline): Uncertain significance. Review status: criteria provided, multiple submitters, no conflicts (2 of 4 stars). 2 submissions from 2 submitters: Uncertain significance (2). Last evaluated 2025-11-19.

Allele frequency attached by ClinVar (database versions not stated): TOPMed below 0.00001.

Submissions (2):

Labcorp Genetics (formerly Invitae), Labcorp
Classification: Uncertain significance. Last evaluated: 2025-11-19. Review status: criteria provided, single submitter. Criteria: Invitae Variant Classification Sherloc (09022015). Collection method: clinical testing. Allele origin: germline.
Comment: This sequence change replaces proline, which is neutral and non-polar, with leucine, which is neutral and non-polar, at codon 451 of the COL4A1 protein (p.Pro451Leu). This variant is not present in population databases (gnomAD no frequency). This variant has not been reported in the literature in individuals affected with COL4A1-related conditions. ClinVar contains an entry for this variant (Variation ID: 2787262). Invitae Evidence Modeling of protein sequence and biophysical properties (such as structural, functional, and spatial information, amino acid conservation, physicochemical variation, residue mobility, and thermodynamic stability) indicates that this missense variant is not expected to disrupt COL4A1 protein function with a negative predictive value of 95%. In summary, the available evidence is currently insufficient to determine the role of this variant in disease. Therefore, it has been classified as a Variant of Uncertain Significance.

GeneDx
Classification: Uncertain significance. Last evaluated: 2023-07-20. Review status: criteria provided, single submitter. Criteria: GeneDx Variant Classification Process June 2021. Collection method: clinical testing. Allele origin: germline. Affected: yes.
Comment: Not observed at significant frequency in large population cohorts (gnomAD); In silico analysis supports that this missense variant has a deleterious effect on protein structure/function; Has not been previously published as pathogenic or benign to our knowledge; Occurs in the triple helical domain at the Y position in the canonical Gly-X-Y repeat; although this variant may have an effect on normal protein folding and function, missense substitution at the Y position is not a common mechanism of disease

NM_001845.6(COL4A1):c.1352C>T (p.Pro451Leu)

Genes: COL4A1 (collagen type IV alpha 1 chain; minus strand), LOC126861856 (BRD4-independent group 4 enhancer GRCh37_chr13:110846747-110847946; plus strand). Cytogenetic location: 13q34.
Variant type: single nucleotide variant.
Coding change: c.1352C>T on transcript NM_001845.6 (MANE Select); coding-DNA position 1352, C replaced by T.
Protein change: p.Pro451Leu; replaces proline 451 with leucine.
Molecular consequence: missense variant.
Genome position (GRCh38, 1-based): chr13:110,195,052, G>A on the plus strand (C>T on the coding strand, the complement: COL4A1 is on the minus strand). VCF-style: chr13-110195052-G-A. GRCh37 (hg19) VCF-style: chr13-110847399-G-A.
Other names: c.1352C>T (NM_001845.4); c.1352C>T, p.Pro451Leu (NM_001303110.2); short protein forms P451L.
Identifiers: ClinVar variation 2787262 (VCV002787262.4), dbSNP rs1878825217, ClinGen allele CA388723721.
Genomic context (GRCh38, chr13:110,195,052, plus strand): 5'-CCACCATTTTAAAAAAATCAAAATTTCTTACCTTTCTCTCCAATTTCGCCTATAAATCCT[G>A]GCTGCCCTGGAATTCCAGGAGGACCCTGGTCACCTGGAGGTCCGGGCTGACATTCCACAA-3'
Protein context (NP_001836.3, residues 441-461): DQGPPGIPGQ[Pro451Leu]GFIGEIGEKG